The following is an entry in ClinVar:

NM_001040108.2(MLH3):c.662A>G (p.Gln221Arg)

Gene: MLH3 (mutL homolog 3; minus strand). Cytogenetic location: 14q24.3.
Variant type: single nucleotide variant.
Coding change: c.662A>G on transcript NM_001040108.2 (MANE Select); coding-DNA position 662, A replaced by G.
Protein change: p.Gln221Arg; replaces glutamine 221 with arginine.
Molecular consequence: missense variant.
Genome position (GRCh38, 1-based): chr14:75,048,994, T>C on the plus strand (A>G on the coding strand, the complement: MLH3 is on the minus strand). VCF-style: chr14-75048994-T-C. GRCh37 (hg19) VCF-style: chr14-75515697-T-C.
Other names: c.662A>G, p.Gln221Arg (NM_014381.3); short protein forms Q221R.
Identifiers: ClinVar variation 1754555 (VCV001754555.7), dbSNP rs2503320846, ClinGen allele CA390449671.

ClinVar aggregate classification (germline): Uncertain significance. Review status: criteria provided, multiple submitters, no conflicts (2 of 4 stars). 2 submissions from 2 submitters: Uncertain significance (2). Last evaluated 2022-02-11.

Conditions:
Colorectal cancer, hereditary nonpolyposis, type 7. Identifiers: Orphanet 144, MedGen C1858380, MONDO:0013725, OMIM 614385.

Submissions (2):

Labcorp Genetics (formerly Invitae), Labcorp
Classification: Uncertain significance for Colorectal cancer, hereditary nonpolyposis, type 7. Last evaluated: 2022-02-11. Review status: criteria provided, single submitter. Criteria: Invitae Variant Classification Sherloc (09022015). Collection method: clinical testing. Allele origin: germline.
Comment: In summary, the available evidence is currently insufficient to determine the role of this variant in disease. Therefore, it has been classified as a Variant of Uncertain Significance. Algorithms developed to predict the effect of missense changes on protein structure and function are either unavailable or do not agree on the potential impact of this missense change (SIFT: "Deleterious"; PolyPhen-2: "Possibly Damaging"; Align-GVGD: "Class C0"). This variant has not been reported in the literature in individuals affected with MLH3-related conditions. This variant is not present in population databases (gnomAD no frequency). This sequence change replaces glutamine, which is neutral and polar, with arginine, which is basic and polar, at codon 221 of the MLH3 protein (p.Gln221Arg).

Ambry Genetics
Classification: Uncertain significance. Last evaluated: 2021-11-18. Review status: criteria provided, single submitter. Criteria: Ambry Variant Classification Scheme 2023. Collection method: clinical testing. Allele origin: germline.
Comment: The p.Q221R variant (also known as c.662A>G), located in coding exon 1 of the MLH3 gene, results from an A to G substitution at nucleotide position 662. The glutamine at codon 221 is replaced by arginine, an amino acid with highly similar properties. This amino acid position is conserved. In addition, the in silico prediction for this alteration is inconclusive. Since supporting evidence is limited at this time, the clinical significance of this alteration remains unclear.